The following is an entry in ClinVar:

NM_000289.6(PFKM):c.1114A>G (p.Lys372Glu)

Gene: PFKM (phosphofructokinase, muscle; plus strand). Cytogenetic location: 12q13.11.
Variant type: single nucleotide variant.
Coding change: c.1114A>G on transcript NM_000289.6 (MANE Select); coding-DNA position 1114, A replaced by G.
Protein change: p.Lys372Glu; replaces lysine 372 with glutamic acid.
Molecular consequence: missense variant. On other transcripts: non-coding transcript variant (6).
Genome position (GRCh38, 1-based): chr12:48,139,336, A>G. VCF-style: chr12-48139336-A-G. GRCh37 (hg19) VCF-style: chr12-48533119-A-G.
Other names: c.1327A>G, p.Lys443Glu (NM_001166686.2, NM_001354737.1, NM_001354738.1 and 1 more transcripts); c.1114A>G, p.Lys372Glu (NM_001166687.2, NM_001166688.2, NM_001354742.2 and 2 more transcripts); c.1423A>G, p.Lys475Glu (NM_001354735.1, NM_001354736.1); c.1258A>G, p.Lys420Glu (NM_001354740.1); c.1138A>G, p.Lys380Glu (NM_001354741.2); c.1027A>G, p.Lys343Glu (NM_001354745.2); c.988A>G, p.Lys330Glu (NM_001354746.2); c.964A>G, p.Lys322Glu (NM_001354747.2, NM_001354748.2); and 1 more; short protein forms K420E, K341E, K380E, K322E, K330E, K343E, K372E, K443E.
Identifiers: ClinVar variation 940877 (VCV000940877.9), dbSNP rs1950380994, ClinGen allele CA384548396.

ClinVar aggregate classification (germline): Uncertain significance (1 of 4 stars; one submission).

Conditions:
Glycogen storage disease, type VII (GSD7). Also called: TARUI DISEASE; GSD VII; MUSCLE PHOSPHOFRUCTOKINASE DEFICIENCY; PFKM DEFICIENCY. Identifiers: Orphanet 371, MedGen C0017926, MONDO:0009295, OMIM 232800.

Submission:

Labcorp Genetics (formerly Invitae), Labcorp
Classification: Uncertain significance for Glycogen storage disease, type VII. Last evaluated: 2019-07-23. Review status: criteria provided, single submitter. Criteria: Invitae Variant Classification Sherloc (09022015). Collection method: clinical testing. Allele origin: germline.
Comment: This sequence change replaces lysine with glutamic acid at codon 372 of the PFKM protein (p.Lys372Glu). The lysine residue is moderately conserved and there is a small physicochemical difference between lysine and glutamic acid. In summary, the available evidence is currently insufficient to determine the role of this variant in disease. Therefore, it has been classified as a Variant of Uncertain Significance. Algorithms developed to predict the effect of missense changes on protein structure and function are either unavailable or do not agree on the potential impact of this missense change (SIFT: "Deleterious"; PolyPhen-2: "Benign"; Align-GVGD: "Class C0"). This variant has not been reported in the literature in individuals with PFKM-related conditions. This variant is not present in population databases (ExAC no frequency).